The following is an entry in ClinVar:

NM_020937.4(FANCM):c.457G>C (p.Ala153Pro)

Gene: FANCM (FA complementation group M; plus strand). Cytogenetic location: 14q21.2.
Variant type: single nucleotide variant.
Coding change: c.457G>C on transcript NM_020937.4 (MANE Select); coding-DNA position 457, G replaced by C.
Protein change: p.Ala153Pro; replaces alanine 153 with proline.
Molecular consequence: missense variant.
Genome position (GRCh38, 1-based): chr14:45,136,488, G>C. VCF-style: chr14-45136488-G-C. GRCh37 (hg19) VCF-style: chr14-45605691-G-C.
Other names: c.457G>C, p.Ala153Pro (NM_001308133.2, NM_001308134.2); short protein forms A153P.
Identifiers: ClinVar variation 2068245 (VCV002068245.4), dbSNP rs1436046620, ClinGen allele CA389588347.

ClinVar aggregate classification (germline): Uncertain significance (1 of 4 stars; one submission).

Conditions:
Fanconi anemia (FA). Also called: Fanconi's anemia. Identifiers: Orphanet 84, MedGen C0015625, MeSH D005199, MONDO:0019391.

Submission:

Labcorp Genetics (formerly Invitae), Labcorp
Classification: Uncertain significance for Fanconi anemia. Last evaluated: 2022-01-01. Review status: criteria provided, single submitter. Criteria: Invitae Variant Classification Sherloc (09022015). Collection method: clinical testing. Allele origin: germline.
Comment: This variant has not been reported in the literature in individuals affected with FANCM-related conditions. In summary, the available evidence is currently insufficient to determine the role of this variant in disease. Therefore, it has been classified as a Variant of Uncertain Significance. Algorithms developed to predict the effect of missense changes on protein structure and function are either unavailable or do not agree on the potential impact of this missense change (SIFT: "Deleterious"; PolyPhen-2: "Probably Damaging"; Align-GVGD: "Class C0"). This variant is not present in population databases (gnomAD no frequency). This sequence change replaces alanine, which is neutral and non-polar, with proline, which is neutral and non-polar, at codon 153 of the FANCM protein (p.Ala153Pro).